The following is an entry in ClinVar:

ClinVar aggregate classification (germline): Uncertain significance (1 of 4 stars; one submission).

Conditions:
Familial intrahepatic cholestasis. Identifiers: Orphanet 284385, MedGen CN296401, MONDO:0017290.
Low phospholipid associated cholelithiasis (GBD1). Also called: Gallbladder disease 1; Gallstone cholecystitis. Identifiers: Orphanet 69663, MedGen C2609268, MONDO:0010939, OMIM 600803.

gnomAD v4.1: 1 of 1,613,926 alleles (0.000062%); highest among the groups gnomAD compares: South Asian, 0.0011%; no homozygotes.

Submission:

Genomenon, Inc
Classification: Uncertain significance for Familial intrahepatic cholestasis; Low phospholipid associated cholelithiasis. Last evaluated: 2026-04-14. Review status: criteria provided, single submitter. Criteria: Genomenon Sequence Variant Interpretation Standards - Updated. Collection method: curation. Allele origin: germline. Affected: no.
Comment: ABCB4 p.Trp658Leu (c.1973G>T) is a missense variant that changes the amino acid at residue 658 from Tryptophan to Leucine. This variant has been reported in the published literature (PMID:37208429). It is absent or not present at a significant frequency in gnomAD. In silico models predict that this variant is not damaging. In conclusion, we classify ABCB4 p.Trp658Leu (c.1973G>T) as a variant of uncertain significance.

Literature cited by the submitters: PubMed 37208429.

NM_000443.4(ABCB4):c.1973G>T (p.Trp658Leu)

Gene: ABCB4 (ATP binding cassette subfamily B member 4; minus strand). Cytogenetic location: 7q21.12.
Variant type: single nucleotide variant.
Coding change: c.1973G>T on transcript NM_000443.4 (MANE Select); coding-DNA position 1973, G replaced by T.
Protein change: p.Trp658Leu; replaces tryptophan 658 with leucine.
Molecular consequence: missense variant.
Genome position (GRCh38, 1-based): chr7:87,426,841, C>A on the plus strand (G>T on the coding strand, the complement: ABCB4 is on the minus strand). VCF-style: chr7-87426841-C-A. GRCh37 (hg19) VCF-style: chr7-87056157-C-A.
Other names: c.1973G>T, p.Trp658Leu (NM_018849.3, NM_018850.3); short protein forms W658L.
Identifiers: ClinVar variation 4846669 (VCV004846669.1).